The following is an entry in ClinVar:

ClinVar aggregate classification (germline): Uncertain significance (1 of 4 stars; one submission).

Allele frequency attached by ClinVar (database versions not stated): gnomAD exomes below 0.00001; ExAC 0.00001.
gnomAD v4.1: 3 of 1,614,138 alleles (0.00019%); highest among the groups gnomAD compares: Non-Finnish European, 0.00017%; no homozygotes.

Submission:

Labcorp Genetics (formerly Invitae), Labcorp
Classification: Uncertain significance. Last evaluated: 2025-05-27. Review status: criteria provided, single submitter. Criteria: Invitae Variant Classification Sherloc (09022015). Collection method: clinical testing. Allele origin: germline.
Comment: This sequence change replaces glutamic acid, which is acidic and polar, with valine, which is neutral and non-polar, at codon 98 of the CD40 protein (p.Glu98Val). This variant is present in population databases (rs755540822, gnomAD 0.0009%). This variant has not been reported in the literature in individuals affected with CD40-related conditions. ClinVar contains an entry for this variant (Variation ID: 2168407). Invitae Evidence Modeling of protein sequence and biophysical properties (such as structural, functional, and spatial information, amino acid conservation, physicochemical variation, residue mobility, and thermodynamic stability) indicates that this missense variant is not expected to disrupt CD40 protein function with a negative predictive value of 80%. In summary, the available evidence is currently insufficient to determine the role of this variant in disease. Therefore, it has been classified as a Variant of Uncertain Significance.

NM_001250.6(CD40):c.293A>T (p.Glu98Val)

Gene: CD40 (CD40 molecule; plus strand). Cytogenetic location: 20q13.12.
Variant type: single nucleotide variant.
Coding change: c.293A>T on transcript NM_001250.6 (MANE Select); coding-DNA position 293, A replaced by T.
Protein change: p.Glu98Val; replaces glutamic acid 98 with valine.
Molecular consequence: missense variant. On other transcripts: non-coding transcript variant (2).
Genome position (GRCh38, 1-based): chr20:46,122,646, A>T. VCF-style: chr20-46122646-A-T. GRCh37 (hg19) VCF-style: chr20-44751285-A-T.
Other names: c.293A>T, p.Glu98Val (NM_001302753.2, NM_001322421.2, NM_001322422.2 and 2 more transcripts); short protein forms E98V.
Identifiers: ClinVar variation 2168407 (VCV002168407.2), dbSNP rs755540822, ClinGen allele CA9888434.
Genomic context (GRCh38, chr20:46,122,646, plus strand): 5'-TCCTTCCTGCCCTTCTCTTCTCAGACCTAGGGCTTCGGGTCCAGCAGAAGGGCACCTCAG[A>T]AACAGACACCATCTGCACCTGTGAAGAAGGCTGGCACTGTACGAGTGAGGCCTGTGAGAG-3'
Protein context (NP_001241.1, residues 88-108): GLRVQQKGTS[Glu98Val]TDTICTCEEG